The following is an entry in ClinVar:

ClinVar aggregate classification (germline): Pathogenic (1 of 4 stars; one submission).

Conditions:
Developmental and epileptic encephalopathy 94 (DEE94). Also called: CHD2-Related Neurodevelopmental Disorders; Epileptic encephalopathy, childhood-onset. Identifiers: Orphanet 1942, Orphanet 2382, MedGen C3809278, MONDO:0014150, OMIM 615369.

Submission:

Labcorp Genetics (formerly Invitae), Labcorp
Classification: Pathogenic for Developmental and epileptic encephalopathy 94. Last evaluated: 2024-10-04. Review status: criteria provided, single submitter. Criteria: Invitae Variant Classification Sherloc (09022015). Collection method: clinical testing. Allele origin: germline.
Comment: This sequence change affects a donor splice site in intron 38 of the CHD2 gene. While this variant is not anticipated to result in nonsense mediated decay, it likely alters RNA splicing and results in a disrupted protein product. This variant is not present in population databases (gnomAD no frequency). Disruption of this splice site has been observed in individual(s) with clinical features of CHD2-related conditions (PMID: 31677157; internal data). In at least one individual the variant was observed to be de novo. Variants that disrupt the consensus splice site are a relatively common cause of aberrant splicing (PMID: 17576681, 9536098). Algorithms developed to predict the effect of sequence changes on RNA splicing suggest that this variant may disrupt the consensus splice site. For these reasons, this variant has been classified as Pathogenic.

Literature cited by the submitters: PubMed 31677157; PubMed 17576681; PubMed 9536098.

NM_001271.4(CHD2):c.5153+2T>C

Gene: CHD2 (chromodomain helicase DNA binding protein 2; plus strand). Cytogenetic location: 15q26.1.
Variant type: single nucleotide variant.
Coding change: c.5153+2T>C on transcript NM_001271.4 (MANE Select); the canonical splice donor site of the intron after coding-DNA position 5153, T replaced by C.
Molecular consequence: splice donor variant.
Genome position (GRCh38, 1-based): chr15:93,020,260, T>C. VCF-style: chr15-93020260-T-C. GRCh37 (hg19) VCF-style: chr15-93563490-T-C.
Identifiers: ClinVar variation 3609730 (VCV003609730.2).